The following is an entry in ClinVar:

ClinVar aggregate classification (germline): Conflicting classifications of pathogenicity. Review status: criteria provided, conflicting classifications (1 of 4 stars). 2 submissions from 2 submitters: Uncertain significance (1); Benign (1). Last evaluated 2024-04-03.

Conditions:
Osteogenesis imperfecta type I (OI1). Also called: Classic Non-deforming Osteogenesis Imperfecta with Blue Sclerae; Osteogenesis imperfecta type 1; OI, TYPE I; OSTEOGENESIS IMPERFECTA TARDA; OSTEOGENESIS IMPERFECTA WITH BLUE SCLERAE; Lobstein's Disease. Identifiers: Orphanet 216796, Orphanet 666, MedGen C0023931, MONDO:0008146, OMIM 166200. Disease mechanism: loss of function.

Allele frequency attached by ClinVar (database versions not stated): ESP Exome Variant Server 0.00008.

Submissions (2):

Labcorp Genetics (formerly Invitae), Labcorp
Classification: Benign for Osteogenesis imperfecta type I. Last evaluated: 2024-04-03. Review status: criteria provided, single submitter. Criteria: Invitae Variant Classification Sherloc (09022015). Collection method: clinical testing. Allele origin: germline.

GeneDx
Classification: Uncertain significance. Last evaluated: 2022-02-16. Review status: criteria provided, single submitter. Criteria: GeneDx Variant Classification Process June 2021. Collection method: clinical testing. Allele origin: germline. Affected: yes.
Comment: Has not been previously published as pathogenic or benign to our knowledge; Not observed at a significant frequency in large population cohorts (gnomAD); In silico analysis supports that this missense variant does not alter protein structure/function; Occurs in the triple helical domain at the X position in the canonical Gly-X-Y repeat; although this variant may have an effect on normal protein folding and function, missense substitution at the X position is not a common mechanism of disease (HGMD)

NM_000088.4(COL1A1):c.2284G>A (p.Val762Ile)

Gene: COL1A1 (collagen type I alpha 1 chain; minus strand). Cytogenetic location: 17q21.33.
Variant type: single nucleotide variant.
Coding change: c.2284G>A on transcript NM_000088.4 (MANE Select); coding-DNA position 2284, G replaced by A.
Protein change: p.Val762Ile; replaces valine 762 with isoleucine.
Molecular consequence: missense variant.
Genome position (GRCh38, 1-based): chr17:50,190,876, C>T on the plus strand (G>A on the coding strand, the complement: COL1A1 is on the minus strand). VCF-style: chr17-50190876-C-T. GRCh37 (hg19) VCF-style: chr17-48268237-C-T.
Other names: short protein forms V762I.
Identifiers: ClinVar variation 1313013 (VCV001313013.9), dbSNP rs138749826, ClinGen allele CA291543900.